The following is an entry in ClinVar:

ClinVar aggregate classification (germline): Uncertain significance (1 of 4 stars; one submission).

Conditions:
Charcot-Marie-Tooth disease axonal type 2O. Also called: Charcot-Marie-Tooth disease, axonal, type 20; CHARCOT-MARIE-TOOTH NEUROPATHY, AXONAL, TYPE 2O; CHARCOT-MARIE-TOOTH DISEASE, AXONAL, AUTOSOMAL DOMINANT, TYPE 2O; Charcot-Marie-Tooth Neuropathy Type 2O. Identifiers: Orphanet 284232, MedGen C3280220, MONDO:0013644, OMIM 614228.

Allele frequency attached by ClinVar (database versions not stated): gnomAD exomes below 0.00001.
gnomAD v4.1: 1 of 1,614,218 alleles (0.000062%); highest among the groups gnomAD compares: East Asian, 0.0022%; no homozygotes.

Submission:

Labcorp Genetics (formerly Invitae), Labcorp
Classification: Uncertain significance for Charcot-Marie-Tooth disease axonal type 2O. Last evaluated: 2024-05-15. Review status: criteria provided, single submitter. Criteria: Invitae Variant Classification Sherloc (09022015). Collection method: clinical testing. Allele origin: germline.
Comment: This sequence change replaces leucine, which is neutral and non-polar, with phenylalanine, which is neutral and non-polar, at codon 298 of the DYNC1H1 protein (p.Leu298Phe). This variant is not present in population databases (gnomAD no frequency). This variant has not been reported in the literature in individuals affected with DYNC1H1-related conditions. Advanced modeling of protein sequence and biophysical properties (such as structural, functional, and spatial information, amino acid conservation, physicochemical variation, residue mobility, and thermodynamic stability) performed at Invitae indicates that this missense variant is not expected to disrupt DYNC1H1 protein function with a negative predictive value of 95%. In summary, the available evidence is currently insufficient to determine the role of this variant in disease. Therefore, it has been classified as a Variant of Uncertain Significance.

NM_001376.5(DYNC1H1):c.892C>T (p.Leu298Phe)

Gene: DYNC1H1 (dynein cytoplasmic 1 heavy chain 1; plus strand). Cytogenetic location: 14q32.31.
Variant type: single nucleotide variant.
Coding change: c.892C>T on transcript NM_001376.5 (MANE Select); coding-DNA position 892, C replaced by T.
Protein change: p.Leu298Phe; replaces leucine 298 with phenylalanine.
Molecular consequence: missense variant.
Genome position (GRCh38, 1-based): chr14:101,980,481, C>T. VCF-style: chr14-101980481-C-T. GRCh37 (hg19) VCF-style: chr14-102446818-C-T.
Other names: short protein forms L298F.
Identifiers: ClinVar variation 2832237 (VCV002832237.3), dbSNP rs2503680680, ClinGen allele CA391010159.